The following is an entry in ClinVar:

ClinVar aggregate classification (germline): Uncertain significance (1 of 4 stars; one submission).

Conditions:
Myofibrillar myopathy 5. Also called: Filaminopathy (type); FILAMINOPATHY, AUTOSOMAL DOMINANT. Identifiers: Orphanet 171445, MedGen C1836050, MONDO:0012289, OMIM 609524.
Distal myopathy with posterior leg and anterior hand involvement. Also called: WILLIAMS DISTAL MYOPATHY. Identifiers: Orphanet 63273, MedGen C3279722, MONDO:0013550, OMIM 614065.
Hypertrophic cardiomyopathy 26. Also called: Cardiomyopathy, familial hypertrophic, 26. Identifiers: Orphanet 75249, MedGen C4310749, MONDO:0014883, OMIM 617047.

Submission:

Labcorp Genetics (formerly Invitae), Labcorp
Classification: Uncertain significance for Distal myopathy with posterior leg and anterior hand involvement; Myofibrillar myopathy 5; Hypertrophic cardiomyopathy 26. Last evaluated: 2022-07-19. Review status: criteria provided, single submitter. Criteria: Invitae Variant Classification Sherloc (09022015). Collection method: clinical testing. Allele origin: germline.
Comment: This variant is not present in population databases (gnomAD no frequency). In summary, the available evidence is currently insufficient to determine the role of this variant in disease. Therefore, it has been classified as a Variant of Uncertain Significance. Algorithms developed to predict the effect of missense changes on protein structure and function output the following: SIFT: "Tolerated"; PolyPhen-2: "Benign"; Align-GVGD: "Class C0". The valine amino acid residue is found in multiple mammalian species, which suggests that this missense change does not adversely affect protein function. ClinVar contains an entry for this variant (Variation ID: 1384884). This variant has not been reported in the literature in individuals affected with FLNC-related conditions. This sequence change replaces alanine, which is neutral and non-polar, with valine, which is neutral and non-polar, at codon 1755 of the FLNC protein (p.Ala1755Val).

NM_001458.5(FLNC):c.5264C>T (p.Ala1755Val)

Gene: FLNC (filamin C; plus strand). Cytogenetic location: 7q32.1.
Variant type: single nucleotide variant.
Coding change: c.5264C>T on transcript NM_001458.5 (MANE Select); coding-DNA position 5264, C replaced by T.
Protein change: p.Ala1755Val; replaces alanine 1755 with valine.
Molecular consequence: missense variant. On other transcripts: intron variant (1).
Genome position (GRCh38, 1-based): chr7:128,850,040, C>T. VCF-style: chr7-128850040-C-T. GRCh37 (hg19) VCF-style: chr7-128490094-C-T.
Other names: c.5200-344C>T (NM_001127487.2); short protein forms A1755V.
Identifiers: ClinVar variation 1384884 (VCV001384884.6), dbSNP rs1286156977, ClinGen allele CA369204689.